The following is an entry in ClinVar:

NM_031935.3(HMCN1):c.11938G>A (p.Val3980Met)

Gene: HMCN1 (hemicentin 1; plus strand). Cytogenetic location: 1q31.1.
Variant type: single nucleotide variant.
Coding change: c.11938G>A on transcript NM_031935.3 (MANE Select); coding-DNA position 11938, G replaced by A.
Protein change: p.Val3980Met; replaces valine 3980 with methionine.
Molecular consequence: missense variant.
Genome position (GRCh38, 1-based): chr1:186,119,280, G>A. VCF-style: chr1-186119280-G-A. GRCh37 (hg19) VCF-style: chr1-186088412-G-A.
Other names: short protein forms V3980M.
Identifiers: ClinVar variation 294237 (VCV000294237.15), dbSNP rs139870667, ClinGen allele CA1294202.

ClinVar aggregate classification (germline): Benign/Likely benign. Review status: criteria provided, multiple submitters, no conflicts (2 of 4 stars). 4 submissions from 4 submitters: Benign (3); Likely benign (1). Last evaluated 2026-02-03.

Conditions:
Age related macular degeneration 1 (ARMD1). Also called: MACULOPATHY, AGE-RELATED, 1. Identifiers: MedGen C1864205, MONDO:0011285, OMIM 603075.

Allele frequency attached by ClinVar (database versions not stated): gnomAD exomes 0.00040 and 0.00115; ExAC 0.00133; 1000 Genomes Project 0.00339; gnomAD 0.00353 and 0.00379; 1000 Genomes Project 30x 0.00375; TOPMed 0.00442; ESP Exome Variant Server 0.00446.
gnomAD v4.1: 1,172 of 1,613,336 alleles (0.073%); highest among the groups gnomAD compares: African/African-American, 1.2%; 9 homozygotes.

Submissions (4):

Labcorp Genetics (formerly Invitae), Labcorp
Classification: Benign. Last evaluated: 2026-02-03. Review status: criteria provided, single submitter. Criteria: Invitae Variant Classification Sherloc (09022015). Collection method: clinical testing. Allele origin: germline.

Blueprint Genetics
Classification: Likely benign. Last evaluated: 2024-10-30. Review status: criteria provided, single submitter. Criteria: ACMG Guidelines, 2015. Collection method: clinical testing. Allele origin: germline.

Genome-Nilou Lab
Classification: Benign for Age related macular degeneration 1. Last evaluated: 2023-04-11. Review status: criteria provided, single submitter. Criteria: ACMG Guidelines, 2015. Collection method: clinical testing. Allele origin: germline. Affected: no.

Illumina Laboratory Services, Illumina
Classification: Benign for Age related macular degeneration 1. Last evaluated: 2018-01-13. Review status: criteria provided, single submitter. Criteria: ICSL Variant Classification Criteria 13 December 2019. Collection method: clinical testing. Allele origin: germline.
Comment: This variant was observed in the ICSL laboratory as part of a predisposition screen in an ostensibly healthy population. It had not been previously curated by ICSL or reported in the Human Gene Mutation Database (HGMD: prior to June 1st, 2018), and was therefore a candidate for classification through an automated scoring system. Utilizing variant allele frequency, disease prevalence and penetrance estimates, and inheritance mode, an automated score was calculated to assess if this variant is too frequent to cause the disease. Based on the score and internal cut-off values, a variant classified as benign is not then subjected to further curation. The score for this variant resulted in a classification of benign for this disease.